The following is an entry in ClinVar:

ClinVar aggregate classification (germline): Likely benign. Review status: criteria provided, multiple submitters, no conflicts (2 of 4 stars). 2 submissions from 2 submitters: Likely benign (2). Last evaluated 2025-10-08.

Conditions:
PCSK1-related disorder. Also called: PCSK1-related condition.

Allele frequency attached by ClinVar (database versions not stated): gnomAD exomes below 0.00001; ExAC 0.00001; gnomAD 0.00001; TOPMed 0.00001.
gnomAD v4.1: 4 of 1,612,610 alleles (0.00025%); highest among the groups gnomAD compares: African/African-American, 0.0027%; no homozygotes.

Submissions (2):

Labcorp Genetics (formerly Invitae), Labcorp
Classification: Likely benign. Last evaluated: 2025-10-08. Review status: criteria provided, single submitter. Criteria: Invitae Variant Classification Sherloc (09022015). Collection method: clinical testing. Allele origin: germline.

PreventionGenetics, part of Exact Sciences
Classification: Likely benign for PCSK1-related condition. Last evaluated: 2025-08-04. Review status: criteria provided, single submitter. Criteria: ACMG Guidelines, 2015. Collection method: clinical testing. Allele origin: germline.
Comment: This variant is classified as likely benign based on ACMG/AMP sequence variant interpretation guidelines (Richards et al. 2015 PMID: 25741868, with internal and published modifications).

NM_000439.5(PCSK1):c.710-9G>A

Genes: CAST (calpastatin; plus strand), PCSK1 (proprotein convertase subtilisin/kexin type 1; minus strand), LOC101929710 (uncharacterized LOC101929710; plus strand). Cytogenetic location: 5q15.
Variant type: single nucleotide variant.
Coding change: c.710-9G>A on transcript NM_000439.5 (MANE Select); 9 bases into the intron before coding-DNA position 710, G replaced by A.
Molecular consequence: intron variant.
Genome position (GRCh38, 1-based): chr5:96,412,499, C>T on the plus strand (G>A on the coding strand, the complement: PCSK1 is on the minus strand). VCF-style: chr5-96412499-C-T. GRCh37 (hg19) VCF-style: chr5-95748203-C-T.
Other names: c.710-9G>A (NM_000439.4); c.569-9G>A (NM_001177875.2).
Identifiers: ClinVar variation 1992013 (VCV001992013.5), dbSNP rs777237344, ClinGen allele CA3350387.
Genomic context (GRCh38, chr5:96,412,499, plus strand): 5'-ATTGAACTGGCCTCAATAGCATCCGTCACAATGCCATCCAGCATTCTTATGCCTGAGAAA[C>T]AAAATAAACAAAGACACACAAAGGTTGATGTCAGTATGTACATGGACAAAAGCCCAATAC-3'